The following is an entry in ClinVar:

NC_000005.10:g.112707491C>G

Genes: APC (APC regulator of Wnt signaling pathway; plus strand), LOC129994371 (ATAC-STARR-seq lymphoblastoid active region 22910; plus strand). Cytogenetic location: 5q22.2.
Variant type: single nucleotide variant.
Genome position: GRCh38 VCF-style: chr5-112707491-C-G. GRCh37 (hg19) VCF-style: chr5-112043188-C-G.
Identifiers: ClinVar variation 469862 (VCV000469862.9), dbSNP rs1554060178, ClinGen allele CA658655882.

ClinVar aggregate classification (germline): Uncertain significance (1 of 4 stars; one submission).

Conditions:
Familial adenomatous polyposis 1 (FAP1). Also called: FAMILIAL ADENOMATOUS POLYPOSIS 1, ATTENUATED; POLYPOSIS, ADENOMATOUS INTESTINAL. Identifiers: MedGen C2713442, MONDO:0021056, OMIM 175100. Disease mechanism: loss of function.

Submission:

Labcorp Genetics (formerly Invitae), Labcorp
Classification: Uncertain significance for Familial adenomatous polyposis 1. Last evaluated: 2024-06-03. Review status: criteria provided, single submitter. Criteria: Invitae Variant Classification Sherloc (09022015). Collection method: clinical testing. Allele origin: germline.
Comment: This variant occurs in a non-coding region of the APC gene. It does not change the encoded amino acid sequence of the APC protein. This variant is not present in population databases (gnomAD no frequency). This variant has not been reported in the literature in individuals affected with APC-related conditions. ClinVar contains an entry for this variant (Variation ID: 469862). Experimental studies and prediction algorithms are not available or were not evaluated, and the functional significance of this variant is currently unknown. In summary, the available evidence is currently insufficient to determine the role of this variant in disease. Therefore, it has been classified as a Variant of Uncertain Significance.